The following is an entry in ClinVar:

NM_030777.4(SLC2A10):c.624G>C (p.Lys208Asn)

Gene: SLC2A10 (solute carrier family 2 member 10; plus strand). Cytogenetic location: 20q13.12.
Variant type: single nucleotide variant.
Coding change: c.624G>C on transcript NM_030777.4 (MANE Select); coding-DNA position 624, G replaced by C.
Protein change: p.Lys208Asn; replaces lysine 208 with asparagine.
Molecular consequence: missense variant.
Genome position (GRCh38, 1-based): chr20:46,725,660, G>C. VCF-style: chr20-46725660-G-C. GRCh37 (hg19) VCF-style: chr20-45354299-G-C.
Other names: short protein forms K208N.
Identifiers: ClinVar variation 2564032 (VCV002564032.2), dbSNP rs2515589155, ClinGen allele CA409267482.

ClinVar aggregate classification (germline): Uncertain significance (1 of 4 stars; one submission).

Conditions:
Familial thoracic aortic aneurysm and aortic dissection (TAAD). Also called: Thoracic aortic aneurysms and dissections. Identifiers: Orphanet 91387, MedGen C4707243, MONDO:0019625.

Submission:

Ambry Genetics
Classification: Uncertain significance for Familial thoracic aortic aneurysm and aortic dissection. Last evaluated: 2023-04-14. Review status: criteria provided, single submitter. Criteria: Ambry Variant Classification Scheme 2023. Collection method: clinical testing. Allele origin: germline.
Comment: The p.K208N variant (also known as c.624G>C), located in coding exon 2 of the SLC2A10 gene, results from a G to C substitution at nucleotide position 624. The lysine at codon 208 is replaced by asparagine, an amino acid with similar properties. This amino acid position is conserved. In addition, this alteration is predicted to be tolerated by in silico analysis. Since supporting evidence is limited at this time, the clinical significance of this alteration remains unclear.